The following is an entry in ClinVar:

ClinVar aggregate classification (germline): Uncertain significance. Review status: criteria provided, multiple submitters, no conflicts (2 of 4 stars). 4 submissions from 4 submitters: Uncertain significance (4). Last evaluated 2025-02-21.

Conditions:
Intellectual disability, autosomal dominant 16 (CSS4). Also called: COFFIN-SIRIS SYNDROME 4. Identifiers: Orphanet 1465, MedGen C3553249, MONDO:0013821, OMIM 614609.
Hereditary cancer-predisposing syndrome. Also called: Hereditary Cancer Syndrome; Hereditary neoplastic syndrome; Neoplastic Syndromes, Hereditary; Tumor predisposition. Identifiers: Orphanet 140162, MedGen C0027672, MeSH D009386, MONDO:0015356.
Rhabdoid tumor predisposition syndrome 2 (RTPS2). Identifiers: Orphanet 231108, Orphanet 69077, MedGen C2750074, MONDO:0013224, OMIM 613325.

Allele frequency attached by ClinVar (database versions not stated): gnomAD exomes below 0.00001; TOPMed below 0.00001; gnomAD 0.00001.
gnomAD v4.1: 4 of 1,612,156 alleles (0.00025%); highest among the groups gnomAD compares: Admixed American, 0.0017%; no homozygotes.

Submissions (4):

Ambry Genetics
Classification: Uncertain significance for Hereditary cancer-predisposing syndrome. Last evaluated: 2025-02-21. Review status: criteria provided, single submitter. Criteria: Ambry Variant Classification Scheme 2023. Collection method: clinical testing. Allele origin: germline.
Comment: The p.R1511H variant (also known as c.4532G>A), located in coding exon 31 of the SMARCA4 gene, results from a G to A substitution at nucleotide position 4532. The arginine at codon 1511 is replaced by histidine, an amino acid with highly similar properties. This amino acid position is highly conserved in available vertebrate species. In addition, the in silico prediction for this alteration is inconclusive. Based on the available evidence, the clinical significance of this variant remains unclear.

Labcorp Genetics (formerly Invitae), Labcorp
Classification: Uncertain significance for Rhabdoid tumor predisposition syndrome 2. Last evaluated: 2023-03-14. Review status: criteria provided, single submitter. Criteria: Invitae Variant Classification Sherloc (09022015). Collection method: clinical testing. Allele origin: germline.
Comment: The frequency data for this variant in the population databases is considered unreliable, as metrics indicate poor data quality at this position in the gnomAD database. This sequence change replaces arginine, which is basic and polar, with histidine, which is basic and polar, at codon 1511 of the SMARCA4 protein (p.Arg1511His). This variant has not been reported in the literature in individuals affected with SMARCA4-related conditions. ClinVar contains an entry for this variant (Variation ID: 389877). Advanced modeling of protein sequence and biophysical properties (such as structural, functional, and spatial information, amino acid conservation, physicochemical variation, residue mobility, and thermodynamic stability) has been performed at Invitae for this missense variant, however the output from this modeling did not meet the statistical confidence thresholds required to predict the impact of this variant on SMARCA4 protein function. In summary, the available evidence is currently insufficient to determine the role of this variant in disease. Therefore, it has been classified as a Variant of Uncertain Significance.

Genome-Nilou Lab
Classification: Uncertain significance for Intellectual disability, autosomal dominant 16. Last evaluated: 2021-07-15. Review status: criteria provided, single submitter. Criteria: ACMG Guidelines, 2015. Collection method: clinical testing. Allele origin: germline. Affected: no.

GeneDx
Classification: Uncertain significance. Last evaluated: 2016-10-14. Review status: criteria provided, single submitter. Criteria: GeneDx Variant Classification (06012015). Collection method: clinical testing. Allele origin: germline. Affected: yes.
Comment: The R1511H variant in the SMARCA4 gene has not been reported previously as a pathogenic variant, nor as a benign variant, to our knowledge. The R1511H variant was not observed in approximately 6,500 individuals of European and African American ancestry in the NHLBI Exome Sequencing Project, indicating it is not a common benign variant in these populations. This variant is a conservative amino acid substitution, which is not likely to impact secondary protein structure as these residues share similar properties. The R1511H substitution occurs at a position that is conserved across species, and in silico analysis predicts this variant is probably damaging to the protein structure/function. Based on currently available evidence, we interpret R1511H as a variant of uncertain significance.

NM_003072.5(SMARCA4):c.4436G>A (p.Arg1479His)

Gene: SMARCA4 (SWI/SNF related BAF chromatin remodeling complex subunit ATPase 4; plus strand). Cytogenetic location: 19p13.2.
Variant type: single nucleotide variant.
Coding change: c.4436G>A on transcript NM_003072.5 (MANE Select); coding-DNA position 4436, G replaced by A.
Protein change: p.Arg1479His; replaces arginine 1479 with histidine.
Molecular consequence: missense variant. On other transcripts: non-coding transcript variant (1).
Genome position (GRCh38, 1-based): chr19:11,058,266, G>A. VCF-style: chr19-11058266-G-A. GRCh37 (hg19) VCF-style: chr19-11168942-G-A.
Other names: c.4436G>A, p.Arg1479His (NM_001128844.3); c.4346G>A, p.Arg1449His (NM_001128845.2); c.4343G>A, p.Arg1448His (NM_001128846.2); c.4337G>A, p.Arg1446His (NM_001128847.4, NM_001374457.1); c.4334G>A, p.Arg1445His (NM_001128848.2); c.4532G>A, p.Arg1511His (NM_001128849.3, NM_001387283.1); short protein forms R1511H, R1445H, R1479H, R1449H, R1446H, R1448H.
Identifiers: ClinVar variation 389877 (VCV000389877.15), dbSNP rs1057523566, ClinGen allele CA16608065.